The following is an entry in ClinVar:

ClinVar aggregate classification (germline): Uncertain significance (1 of 4 stars; one submission).

Allele frequency attached by ClinVar (database versions not stated): ExAC 0.00001.
gnomAD v4.1: 8 of 1,613,480 alleles (0.0005%); highest among the groups gnomAD compares: South Asian, 0.0077%; no homozygotes.

Submission:

Labcorp Genetics (formerly Invitae), Labcorp
Classification: Uncertain significance. Last evaluated: 2022-03-04. Review status: criteria provided, single submitter. Criteria: Invitae Variant Classification Sherloc (09022015). Collection method: clinical testing. Allele origin: germline.
Comment: This variant is present in population databases (rs761631210, gnomAD 0.01%). This sequence change replaces valine, which is neutral and non-polar, with methionine, which is neutral and non-polar, at codon 102 of the TELO2 protein (p.Val102Met). In summary, the available evidence is currently insufficient to determine the role of this variant in disease. Therefore, it has been classified as a Variant of Uncertain Significance. Algorithms developed to predict the effect of missense changes on protein structure and function are either unavailable or do not agree on the potential impact of this missense change (SIFT: "Deleterious"; PolyPhen-2: "Probably Damaging"; Align-GVGD: "Class C0"). This variant has not been reported in the literature in individuals affected with TELO2-related conditions.

NM_016111.4(TELO2):c.304G>A (p.Val102Met)

Gene: TELO2 (telomere maintenance 2; plus strand). Cytogenetic location: 16p13.3.
Variant type: single nucleotide variant.
Coding change: c.304G>A on transcript NM_016111.4 (MANE Select); coding-DNA position 304, G replaced by A.
Protein change: p.Val102Met; replaces valine 102 with methionine.
Molecular consequence: missense variant.
Genome position (GRCh38, 1-based): chr16:1,494,585, G>A. VCF-style: chr16-1494585-G-A. GRCh37 (hg19) VCF-style: chr16-1544586-G-A.
Other names: c.304G>A, p.Val102Met (NM_001351846.2); short protein forms V102M.
Identifiers: ClinVar variation 2106300 (VCV002106300.4), dbSNP rs761631210, ClinGen allele CA7811586.